The following is an entry in ClinVar:

NM_032447.5(FBN3):c.5638C>T (p.His1880Tyr)

Gene: FBN3 (fibrillin 3; minus strand). Cytogenetic location: 19p13.2.
Variant type: single nucleotide variant.
Coding change: c.5638C>T on transcript NM_032447.5 (MANE Select); coding-DNA position 5638, C replaced by T.
Protein change: p.His1880Tyr; replaces histidine 1880 with tyrosine.
Molecular consequence: missense variant.
Genome position (GRCh38, 1-based): chr19:8,095,982, G>A on the plus strand (C>T on the coding strand, the complement: FBN3 is on the minus strand). VCF-style: chr19-8095982-G-A. GRCh37 (hg19) VCF-style: chr19-8160866-G-A.
Other names: c.5638C>T, p.His1880Tyr (NM_001321431.2); short protein forms H1880Y.
Identifiers: ClinVar variation 4023492 (VCV004023492.2).

ClinVar aggregate classification (germline): Uncertain significance. Review status: criteria provided, multiple submitters, no conflicts (2 of 4 stars). 2 submissions from 2 submitters: Uncertain significance (2). Last evaluated 2025-06-22.

Submissions (2):

Labcorp Genetics (formerly Invitae), Labcorp
Classification: Uncertain significance. Last evaluated: 2025-06-22. Review status: criteria provided, single submitter. Criteria: Invitae Variant Classification Sherloc (09022015). Collection method: clinical testing. Allele origin: germline.
Comment: This sequence change replaces histidine, which is basic and polar, with tyrosine, which is neutral and polar, at codon 1880 of the FBN3 protein (p.His1880Tyr). This variant is present in population databases (rs765410104, gnomAD 0.002%). This variant has not been reported in the literature in individuals affected with FBN3-related conditions. Invitae Evidence Modeling of protein sequence and biophysical properties (such as structural, functional, and spatial information, amino acid conservation, physicochemical variation, residue mobility, and thermodynamic stability) indicates that this missense variant is expected to disrupt FBN3 protein function with a positive predictive value of 80%. In summary, the available evidence is currently insufficient to determine the role of this variant in disease. Therefore, it has been classified as a Variant of Uncertain Significance.

Ambry Genetics
Classification: Uncertain significance. Last evaluated: 2025-03-27. Review status: criteria provided, single submitter. Criteria: Ambry Variant Classification Scheme 2023. Collection method: clinical testing. Allele origin: germline.